The following is an entry in ClinVar:

ClinVar aggregate classification (germline): Uncertain significance (1 of 4 stars; one submission).

Conditions:
FAT1-related disorder. Also called: FAT1-related condition.

Submission:

PreventionGenetics, part of Exact Sciences
Classification: Uncertain significance for FAT1-related condition. Last evaluated: 2023-06-27. Review status: criteria provided, single submitter. Criteria: ACMG Guidelines, 2015. Collection method: clinical testing. Allele origin: germline.
Comment: The FAT1 c.2231T>A variant is predicted to result in the amino acid substitution p.Leu744His. To our knowledge, this variant has not been reported in the literature or in a large population database, indicating this variant is rare. At this time, the clinical significance of this variant is uncertain due to the absence of conclusive functional and genetic evidence.

NM_005245.4(FAT1):c.2231T>A (p.Leu744His)

Gene: FAT1 (FAT atypical cadherin 1; minus strand). Cytogenetic location: 4q35.2.
Variant type: single nucleotide variant.
Coding change: c.2231T>A on transcript NM_005245.4 (MANE Select); coding-DNA position 2231, T replaced by A.
Protein change: p.Leu744His; replaces leucine 744 with histidine.
Molecular consequence: missense variant.
Genome position (GRCh38, 1-based): chr4:186,707,597, A>T on the plus strand (T>A on the coding strand, the complement: FAT1 is on the minus strand). VCF-style: chr4-186707597-A-T. GRCh37 (hg19) VCF-style: chr4-187628751-A-T.
Other names: short protein forms L744H.
Identifiers: ClinVar variation 2632406 (VCV002632406.1), dbSNP rs1207137526, ClinGen allele CA358987422.